The following is an entry in ClinVar:

NM_206926.2(SELENON):c.1237G>A (p.Val413Met)

Gene: SELENON (selenoprotein N; plus strand). Cytogenetic location: 1p36.11.
Variant type: single nucleotide variant.
Coding change: c.1237G>A on transcript NM_206926.2 (MANE Select); coding-DNA position 1237, G replaced by A.
Protein change: p.Val413Met; replaces valine 413 with methionine.
Molecular consequence: missense variant.
Genome position (GRCh38, 1-based): chr1:25,812,744, G>A. VCF-style: chr1-25812744-G-A. GRCh37 (hg19) VCF-style: chr1-26139235-G-A.
Other names: c.1339G>A, p.Val447Met (NM_020451.3); short protein forms V413M, V447M.
Identifiers: ClinVar variation 662244 (VCV000662244.11), dbSNP rs746942226, ClinGen allele CA696831.

ClinVar aggregate classification (germline): Uncertain significance. Review status: criteria provided, multiple submitters, no conflicts (2 of 4 stars). 2 submissions from 2 submitters: Uncertain significance (2). Last evaluated 2023-10-13.

Conditions:
Eichsfeld type congenital muscular dystrophy (CMYO3). Also called: Rigid spine muscular dystrophy 1; MYOPATHY, SEPN1-RELATED; SELENON-related myopathy; Congenital myopathy 3 with rigid spine. Identifiers: MedGen C0410180, MONDO:0100100, OMIM 602771.

Allele frequency attached by ClinVar (database versions not stated): ExAC 0.00001; gnomAD exomes 0.00002 and 0.00003; gnomAD 0.00003; TOPMed 0.00004.
gnomAD v4.1: 53 of 1,613,534 alleles (0.0033%); highest among the groups gnomAD compares: Non-Finnish European, 0.0044%; no homozygotes.

Submissions (2):

Labcorp Genetics (formerly Invitae), Labcorp
Classification: Uncertain significance for Eichsfeld type congenital muscular dystrophy. Last evaluated: 2023-10-13. Review status: criteria provided, single submitter. Criteria: Invitae Variant Classification Sherloc (09022015). Collection method: clinical testing. Allele origin: germline.
Comment: This sequence change replaces valine, which is neutral and non-polar, with methionine, which is neutral and non-polar, at codon 447 of the SELENON protein (p.Val447Met). This variant is present in population databases (rs746942226, gnomAD 0.004%). This variant has not been reported in the literature in individuals affected with SELENON-related conditions. ClinVar contains an entry for this variant (Variation ID: 662244). Advanced modeling of protein sequence and biophysical properties (such as structural, functional, and spatial information, amino acid conservation, physicochemical variation, residue mobility, and thermodynamic stability) has been performed at Invitae for this missense variant, however the output from this modeling did not meet the statistical confidence thresholds required to predict the impact of this variant on SELENON protein function. In summary, the available evidence is currently insufficient to determine the role of this variant in disease. Therefore, it has been classified as a Variant of Uncertain Significance.

Revvity Omics, Revvity
Classification: Uncertain significance for Eichsfeld type congenital muscular dystrophy. Last evaluated: 2021-09-28. Review status: criteria provided, single submitter. Criteria: ACMG Guidelines, 2015. Collection method: clinical testing. Allele origin: germline.